The following is an entry in ClinVar:

ClinVar aggregate classification (germline): Benign/Likely benign. Review status: criteria provided, multiple submitters, no conflicts (2 of 4 stars). 7 submissions from 7 submitters: Benign (5); Likely benign (2). Last evaluated 2026-01-28.

Conditions:
RYR1-related disorder. Also called: RYR1-related condition; RYR1-related disorders. Identifiers: MedGen CN239331.
Malignant hyperthermia, susceptibility to, 1 (MHS1). Also called: RYR1-Related Malignant Hyperthermia Susceptibility; Anesthesia related hyperthermia; Malignant hyperpyrexia; Fulminating hyperpyrexia; Pharmacogenic myopathy; Malignant hyperthermia suceptibility 1. Identifiers: Orphanet 423, MedGen C2930980, MONDO:0007783, OMIM 145600.

Allele frequency attached by ClinVar (database versions not stated): gnomAD exomes 0.00051 and 0.00150; ExAC 0.00198; gnomAD 0.00510 and 0.00545; 1000 Genomes Project 0.00579; TOPMed 0.00581; 1000 Genomes Project 30x 0.00671; ESP Exome Variant Server 0.00715.
gnomAD v4.1: 1,561 of 1,614,002 alleles (0.097%); highest among the groups gnomAD compares: African/African-American, 1.8%; 11 homozygotes.

Submissions (7):

Labcorp Genetics (formerly Invitae), Labcorp
Classification: Benign for RYR1-related disorder. Last evaluated: 2026-01-28. Review status: criteria provided, single submitter. Criteria: Invitae Variant Classification Sherloc (09022015). Collection method: clinical testing. Allele origin: germline.

Blueprint Genetics
Classification: Likely benign. Last evaluated: 2024-11-14. Review status: criteria provided, single submitter. Criteria: ACMG Guidelines, 2015. Collection method: clinical testing. Allele origin: germline.

Mayo Clinic Laboratories, Mayo Clinic
Classification: Benign. Last evaluated: 2024-02-23. Review status: criteria provided, single submitter. Criteria: ACMG Guidelines, 2015. Collection method: clinical testing. Allele origin: germline. Observed: 3 variant alleles.
Comment: BS1, BS2, BP4, BP7

Color Diagnostics, LLC DBA Color Health
Classification: Benign for Malignant hyperthermia, susceptibility to, 1. Last evaluated: 2022-10-03. Review status: criteria provided, single submitter. Criteria: ACMG Guidelines, 2015. Collection method: clinical testing. Allele origin: germline.

GeneDx
Classification: Benign. Last evaluated: 2016-10-31. Review status: criteria provided, single submitter. Criteria: GeneDx Variant Classification (06012015). Collection method: clinical testing. Allele origin: germline. Affected: yes.
Comment: This variant is considered likely benign or benign based on one or more of the following criteria: it is a conservative change, it occurs at a poorly conserved position in the protein, it is predicted to be benign by multiple in silico algorithms, and/or has population frequency not consistent with disease.

PreventionGenetics, part of Exact Sciences
Classification: Benign. Last evaluated: 2016-08-15. Review status: criteria provided, single submitter. Criteria: ACMG Guidelines, 2015. Collection method: clinical testing. Allele origin: germline.

Breakthrough Genomics
Classification: Likely benign. Review status: criteria provided, single submitter. Criteria: ACMG Guidelines, 2015. Collection method: not provided. Allele origin: germline. Inheritance: Autosomal recessive inheritance. Affected: yes.

NM_000540.3(RYR1):c.9771C>T (p.Ala3257=)

Gene: RYR1 (ryanodine receptor 1; plus strand). Cytogenetic location: 19q13.2.
Variant type: single nucleotide variant.
Coding change: c.9771C>T on transcript NM_000540.3 (MANE Select); coding-DNA position 9771, C replaced by T.
Protein change: p.Ala3257=; no amino-acid change (alanine 3257 retained).
Molecular consequence: synonymous variant.
Genome position (GRCh38, 1-based): chr19:38,517,444, C>T. VCF-style: chr19-38517444-C-T. GRCh37 (hg19) VCF-style: chr19-39008084-C-T.
Other names: p.Ala3257=; c.9771C>T, p.Ala3257= (NM_001042723.2).
Identifiers: ClinVar variation 256587 (VCV000256587.20), dbSNP rs75991872, ClinGen allele CA074125.